The following is an entry in ClinVar:

ClinVar aggregate classification (germline): Uncertain significance. Review status: criteria provided, multiple submitters, no conflicts (2 of 4 stars). 2 submissions from 2 submitters: Uncertain significance (2). Last evaluated 2025-11-12.

Conditions:
Pityriasis rubra pilaris (PRP). Also called: Pityriasis rubra pilaris--familial type. Identifiers: Orphanet 2897, MedGen C0032027, MONDO:0100017, OMIM 173200, MONDO:0008251.
Psoriasis 2. Identifiers: MedGen C1864497, MONDO:0011269, OMIM 602723.
Inborn genetic diseases. Identifiers: MedGen C0950123, MeSH D030342.

Allele frequency attached by ClinVar (database versions not stated): ExAC 0.00005; gnomAD 0.00009 and 0.00010; TOPMed 0.00010; gnomAD exomes 0.00011 and 0.00017.
gnomAD v4.1: 267 of 1,608,000 alleles (0.017%); highest among the groups gnomAD compares: Non-Finnish European, 0.019%; no homozygotes.

Submissions (2):

Labcorp Genetics (formerly Invitae), Labcorp
Classification: Uncertain significance for Pityriasis rubra pilaris; Psoriasis 2. Last evaluated: 2025-11-12. Review status: criteria provided, single submitter. Criteria: Invitae Variant Classification Sherloc (09022015). Collection method: clinical testing. Allele origin: germline.
Comment: This sequence change replaces serine, which is neutral and polar, with leucine, which is neutral and non-polar, at codon 457 of the CARD14 protein (p.Ser457Leu). This variant is present in population databases (rs776782295, gnomAD 0.03%). This variant has not been reported in the literature in individuals affected with CARD14-related conditions. ClinVar contains an entry for this variant (Variation ID: 527871). Invitae Evidence Modeling of protein sequence and biophysical properties (such as structural, functional, and spatial information, amino acid conservation, physicochemical variation, residue mobility, and thermodynamic stability) indicates that this missense variant is not expected to disrupt CARD14 protein function with a negative predictive value of 95%. In summary, the available evidence is currently insufficient to determine the role of this variant in disease. Therefore, it has been classified as a Variant of Uncertain Significance.

Ambry Genetics
Classification: Uncertain significance for Inborn genetic diseases. Last evaluated: 2025-10-15. Review status: criteria provided, single submitter. Criteria: Ambry Variant Classification Scheme 2023. Collection method: clinical testing. Allele origin: germline.

NM_001366385.1(CARD14):c.1370C>T (p.Ser457Leu)

Gene: CARD14 (caspase recruitment domain family member 14; plus strand). Cytogenetic location: 17q25.3.
Variant type: single nucleotide variant.
Coding change: c.1370C>T on transcript NM_001366385.1 (MANE Select); coding-DNA position 1370, C replaced by T.
Protein change: p.Ser457Leu; replaces serine 457 with leucine.
Molecular consequence: missense variant. On other transcripts: non-coding transcript variant (1).
Genome position (GRCh38, 1-based): chr17:80,195,204, C>T. VCF-style: chr17-80195204-C-T. GRCh37 (hg19) VCF-style: chr17-78169003-C-T.
Other names: c.1370C>T (NM_024110.3); c.1370C>T, p.Ser457Leu (NM_001257970.1, NM_024110.4); c.659C>T, p.Ser220Leu (NM_052819.3); short protein forms S457L, S220L.
Identifiers: ClinVar variation 527871 (VCV000527871.12), dbSNP rs776782295, ClinGen allele CA8816803.